The following is an entry in ClinVar:

NC_000017.11:g.(?_31225075)_(31360723_?)del

Genes: EVI2B (ecotropic viral integration site 2B; minus strand), EVI2A (ecotropic viral integration site 2A; minus strand), NF1 (neurofibromin 1; plus strand), OMG (oligodendrocyte myelin glycoprotein; minus strand). Cytogenetic location: 17q11.2.
Variant type: Deletion.
Identifiers: ClinVar variation 831517 (VCV000831517.3).

ClinVar aggregate classification (germline): Pathogenic (1 of 4 stars; one submission).

Conditions:
Neurofibromatosis, type 1 (NF1). Also called: Neurofibromatosis, type I; Peripheral type neurofibromatosis; VON RECKLINGHAUSEN DISEASE; NEUROFIBROMATOSIS, TYPE I, SOMATIC. Identifiers: Orphanet 636, MedGen C0027831, MONDO:0018975, OMIM 162200. Disease mechanism: loss of function.

Submission:

Labcorp Genetics (formerly Invitae), Labcorp
Classification: Pathogenic for Neurofibromatosis, type 1. Last evaluated: 2019-12-24. Review status: criteria provided, single submitter. Criteria: Invitae Variant Classification Sherloc (09022015). Collection method: clinical testing. Allele origin: germline.
Comment: This variant has not been reported in the literature in individuals with NF1-related conditions. For these reasons, this variant has been classified as Pathogenic. The region of the NF1 gene that includes exon(s) 47-56 has been determined to be clinically significant (Invitae). Therefore, deletions that encompass that region are likely to disrupt protein function and cause disease. This variant is a sub-genic deletion of the genomic region encompassing exons 17-56 of the NF1 gene. While this deletion is not anticipated to result in nonsense mediated decay, it is expected to create a truncated protein product.